The following is an entry in ClinVar:

NM_032409.3(PINK1):c.978C>T (p.Arg326=)

Genes: PINK1 (PTEN induced kinase 1; plus strand), PINK1-AS (PINK1 antisense RNA; minus strand). Cytogenetic location: 1p36.12.
Variant type: single nucleotide variant.
Coding change: c.978C>T on transcript NM_032409.3 (MANE Select); coding-DNA position 978, C replaced by T.
Protein change: p.Arg326=; no amino-acid change (arginine 326 retained).
Molecular consequence: synonymous variant.
Genome position (GRCh38, 1-based): chr1:20,645,578, C>T. VCF-style: chr1-20645578-C-T. GRCh37 (hg19) VCF-style: chr1-20972071-C-T.
Identifiers: ClinVar variation 3898336 (VCV003898336.7).
Genomic context (GRCh38, chr1:20,645,578, plus strand): 5'-GTCGATGTGTGGTAGCCAGAGGCCCTCTCCCCTCTCCGCCAGCTATCCCTGTACCCTGCG[C>T]CAGTACCTTTGTGTGAACACACCCAGCCCCCGCCTCGCCGCCATGATGCTGCTGCAGCTG-3'
Protein context (NP_115785.1, residues 316-336): LVMKNYPCTL[Arg326=]QYLCVNTPSP

ClinVar aggregate classification (germline): Likely benign (1 of 4 stars; one submission).

gnomAD v4.1: 1 of 1,614,016 alleles (0.000062%); highest among the groups gnomAD compares: South Asian, 0.0011%; no homozygotes.

Submission:

CeGaT Center for Human Genetics Tuebingen
Classification: Likely benign. Last evaluated: 2025-05-01. Review status: criteria provided, single submitter. Criteria: CeGaT Center For Human Genetics Tuebingen Variant Classification Criteria Version 2. Collection method: clinical testing. Allele origin: germline. Affected: yes. Observed: 1 variant allele.
Comment: PINK1: BP4, BP7